The following is an entry in ClinVar:

NM_000038.6(APC):c.2523dup (p.Asp842fs)

Gene: APC (APC regulator of Wnt signaling pathway; plus strand). Cytogenetic location: 5q22.2.
Variant type: Duplication.
Coding change: c.2523dup on transcript NM_000038.6 (MANE Select); coding-DNA position 2523, one base duplicated (A; older notation c.2523dupA).
Protein change: p.Asp842fs; shifts the reading frame from aspartic acid 842.
Molecular consequence: frameshift variant.
Genome position (GRCh38, 1-based): chr5:112,838,117, A duplicated. VCF-style (leftmost placement, unchanged base first): chr5-112838116-T-TA. GRCh37 (hg19) VCF-style: chr5-112173813-T-TA.
Other names: c.2523dup, p.Asp842fs (NM_001127510.3, NM_001354895.2); c.2469dup, p.Asp824fs (NM_001127511.3); c.2577dup, p.Asp860fs (NM_001354896.2); c.2553dup, p.Asp852fs (NM_001354897.2); c.2448dup, p.Asp817fs (NM_001354898.2); c.2439dup, p.Asp814fs (NM_001354899.2); c.2400dup, p.Asp801fs (NM_001354900.2); c.2346dup, p.Asp783fs (NM_001354901.2); and 16 more; short protein forms D559fs, D716fs, D817fs, D741fs, D842fs, D852fs, D682fs, D751fs.
Identifiers: ClinVar variation 2203687 (VCV002203687.4), dbSNP rs2533429504, ClinGen allele CA658760756.

ClinVar aggregate classification (germline): Pathogenic (1 of 4 stars; one submission).

Conditions:
Familial adenomatous polyposis 1 (FAP1). Also called: POLYPOSIS, ADENOMATOUS INTESTINAL; FAMILIAL ADENOMATOUS POLYPOSIS 1, ATTENUATED. Identifiers: MedGen C2713442, MONDO:0021056, OMIM 175100. Disease mechanism: loss of function.

Submission:

Labcorp Genetics (formerly Invitae), Labcorp
Classification: Pathogenic for Familial adenomatous polyposis 1. Last evaluated: 2022-04-07. Review status: criteria provided, single submitter. Criteria: Invitae Variant Classification Sherloc (09022015). Collection method: clinical testing. Allele origin: germline.
Comment: For these reasons, this variant has been classified as Pathogenic. A different truncation (p.Tyr2645Lysfs*14) that lies downstream of this variant has been determined to be pathogenic (PMID: 9824584, 1316610, 27081525, 8381579, 22135120, Invitae). This suggests that deletion of this region of the APC protein is causative of disease. This variant is expected to disrupt the EB1 and HDLG binding sites, which mediate interactions with the cytoskeleton (PMID: 15311282, 17293347). While functional studies have not been performed to directly test the effect on APC protein function, this suggests that disruption of the C-terminal portion of the protein is functionally important. This variant is also known as 2523–2524insA. This premature translational stop signal has been observed in individual(s) with familial adenomatous polyposis (PMID: 12527714). This variant is not present in population databases (gnomAD no frequency). This sequence change creates a premature translational stop signal (p.Asp842Argfs*2) in the APC gene. While this is not anticipated to result in nonsense mediated decay, it is expected to disrupt the last 2002 amino acid(s) of the APC protein.

Literature cited by the submitters: PubMed 9824584; PubMed 1316610; PubMed 27081525; PubMed 8381579; PubMed 22135120; PubMed 15311282; PubMed 17293347; PubMed 12527714.